The following is an entry in ClinVar:

NM_004304.5(ALK):c.874C>T (p.Arg292Cys)

Gene: ALK (ALK receptor tyrosine kinase; minus strand). Cytogenetic location: 2p23.2.
Variant type: single nucleotide variant.
Coding change: c.874C>T on transcript NM_004304.5 (MANE Select); coding-DNA position 874, C replaced by T.
Protein change: p.Arg292Cys; replaces arginine 292 with cysteine.
Molecular consequence: missense variant.
Genome position (GRCh38, 1-based): chr2:29,694,928, G>A on the plus strand (C>T on the coding strand, the complement: ALK is on the minus strand). VCF-style: chr2-29694928-G-A. GRCh37 (hg19) VCF-style: chr2-29917794-G-A.
Other names: short protein forms R292C.
Identifiers: ClinVar variation 576969 (VCV000576969.14), dbSNP rs201750304, ClinGen allele CA1594831.

ClinVar aggregate classification (germline): Conflicting classifications of pathogenicity. Review status: criteria provided, conflicting classifications (1 of 4 stars). 5 submissions from 5 submitters: Uncertain significance (4); Likely benign (1). Last evaluated 2025-11-16.

Conditions:
Neuroblastoma, susceptibility to, 3. Also called: ALK-Related Neuroblastic Tumor Susceptibility. Identifiers: Orphanet 635, MedGen C2751681, MONDO:0013083, OMIM 613014.
Hereditary cancer-predisposing syndrome. Also called: Hereditary neoplastic syndrome; Tumor predisposition; Hereditary Cancer Syndrome; Neoplastic Syndromes, Hereditary. Identifiers: Orphanet 140162, MedGen C0027672, MeSH D009386, MONDO:0015356.

Allele frequency attached by ClinVar (database versions not stated): TOPMed 0.00002.
gnomAD v4.1: 79 of 1,614,000 alleles (0.0049%); highest among the groups gnomAD compares: Middle Eastern, 0.033%; no homozygotes.

Submissions (5):

Labcorp Genetics (formerly Invitae), Labcorp
Classification: Uncertain significance for Neuroblastoma, susceptibility to, 3. Last evaluated: 2025-11-16. Review status: criteria provided, single submitter. Criteria: Invitae Variant Classification Sherloc (09022015). Collection method: clinical testing. Allele origin: germline.
Comment: This sequence change replaces arginine, which is basic and polar, with cysteine, which is neutral and slightly polar, at codon 292 of the ALK protein (p.Arg292Cys). This variant is present in population databases (rs201750304, gnomAD 0.01%). This variant has not been reported in the literature in individuals affected with ALK-related conditions. ClinVar contains an entry for this variant (Variation ID: 576969). An algorithm developed to predict the effect of missense changes on protein structure and function (PolyPhen-2) suggests that this variant is likely to be disruptive. In summary, the available evidence is currently insufficient to determine the role of this variant in disease. Therefore, it has been classified as a Variant of Uncertain Significance.

Ambry Genetics
Classification: Likely benign for Hereditary cancer-predisposing syndrome. Last evaluated: 2025-02-27. Review status: criteria provided, single submitter. Criteria: Ambry Variant Classification Scheme 2023. Collection method: clinical testing. Allele origin: germline.

Baylor Genetics
Classification: Uncertain significance for Neuroblastoma, susceptibility to, 3. Last evaluated: 2024-01-08. Review status: criteria provided, single submitter. Criteria: ACMG Guidelines, 2015. Collection method: clinical testing. Allele origin: unknown.

GeneDx
Classification: Uncertain significance. Last evaluated: 2023-11-08. Review status: criteria provided, single submitter. Criteria: GeneDx Variant Classification Process June 2021. Collection method: clinical testing. Allele origin: germline. Affected: yes.
Comment: In silico analysis supports that this missense variant does not alter protein structure/function; Has not been previously published as pathogenic or benign to our knowledge

Revvity Omics, Revvity
Classification: Uncertain significance. Last evaluated: 2020-03-19. Review status: criteria provided, single submitter. Criteria: ACMG Guidelines, 2015. Collection method: clinical testing. Allele origin: germline.